The following is an entry in ClinVar:

ClinVar aggregate classification (germline): Likely benign. Review status: criteria provided, multiple submitters, no conflicts (2 of 4 stars). 2 submissions from 2 submitters: Likely benign (2). Last evaluated 2026-05-12.

Allele frequency attached by ClinVar (database versions not stated): TOPMed 0.00024; gnomAD 0.00032; gnomAD exomes 0.00039; ExAC 0.00071; 1000 Genomes Project 30x 0.00250; 1000 Genomes Project 0.00260.
gnomAD v4.1: 605 of 1,613,164 alleles (0.038%); highest among the groups gnomAD compares: East Asian, 1.3%; 3 homozygotes.

Submissions (2):

Women's Health and Genetics/Laboratory Corporation of America, LabCorp
Classification: Likely benign. Last evaluated: 2026-05-12. Review status: criteria provided, single submitter. Criteria: LabCorp Variant Classification Summary - May 2015. Collection method: clinical testing. Allele origin: germline.

CeGaT Center for Human Genetics Tuebingen
Classification: Likely benign. Last evaluated: 2023-08-01. Review status: criteria provided, single submitter. Criteria: CeGaT Center For Human Genetics Tuebingen Variant Classification Criteria Version 2. Collection method: clinical testing. Allele origin: germline. Affected: yes. Observed: 1 variant allele.
Comment: IPO8: BP4, BP7

NM_006390.4(IPO8):c.1557C>T (p.Ala519=)

Gene: IPO8 (importin 8; minus strand). Cytogenetic location: 12p11.21.
Variant type: single nucleotide variant.
Coding change: c.1557C>T on transcript NM_006390.4 (MANE Select); coding-DNA position 1557, C replaced by T.
Protein change: p.Ala519=; no amino-acid change (alanine 519 retained).
Molecular consequence: synonymous variant.
Genome position (GRCh38, 1-based): chr12:30,663,526, G>A on the plus strand (C>T on the coding strand, the complement: IPO8 is on the minus strand). VCF-style: chr12-30663526-G-A. GRCh37 (hg19) VCF-style: chr12-30816460-G-A.
Other names: c.942C>T, p.Ala314= (NM_001190995.2).
Identifiers: ClinVar variation 2578678 (VCV002578678.26), dbSNP rs144184021, ClinGen allele CA6498872.